The following is an entry in ClinVar:

NC_000016.9:g.(?_136684)_(160624_?)dup

Gene: NPRL3 (NPR3 like, GATOR1 complex subunit; minus strand). Cytogenetic location: 16p13.3.
Variant type: Duplication.
Identifiers: ClinVar variation 833196 (VCV000833196.2).

ClinVar aggregate classification (germline): Uncertain significance (1 of 4 stars; one submission).

Conditions:
Epilepsy, familial focal, with variable foci 3 (FFEVF3). Identifiers: MedGen C4310708, MONDO:0014925, OMIM 617118.

Submission:

Labcorp Genetics (formerly Invitae), Labcorp
Classification: Uncertain significance for Epilepsy, familial focal, with variable foci 3. Last evaluated: 2019-10-24. Review status: criteria provided, single submitter. Criteria: Invitae Variant Classification Sherloc (09022015). Collection method: clinical testing. Allele origin: germline.
Comment: This variant results in a copy number gain of the genomic region encompassing exons 7-14 of the NPRL3 gene. The 5' boundary is likely confined to intron 6. The 3' end of this event is unknown as it extends beyond the assayed region for this gene and therefore may encompass additional genes. As the precise location of this event is unknown, it may be in tandem or it may be located elsewhere in the genome. This variant has not been reported in the literature in individuals with NPRL3-related conditions. In summary, the available evidence is currently insufficient to determine the role of this variant in disease. Therefore, it has been classified as a Variant of Uncertain Significance.